The following is an entry in ClinVar:

ClinVar aggregate classification (germline): Pathogenic/Likely pathogenic. Review status: criteria provided, multiple submitters, no conflicts (2 of 4 stars). 5 submissions from 5 submitters: Pathogenic (3); Likely pathogenic (1). 1 of the submissions does not count toward it. Last evaluated 2025-03-25.

Conditions:
Hereditary cancer-predisposing syndrome. Also called: Hereditary neoplastic syndrome; Hereditary Cancer Syndrome; Neoplastic Syndromes, Hereditary; Tumor predisposition. Identifiers: Orphanet 140162, MedGen C0027672, MeSH D009386, MONDO:0015356.
Familial adenomatous polyposis 2. Also called: MYH-associated polyposis; COLORECTAL ADENOMATOUS POLYPOSIS, AUTOSOMAL RECESSIVE; ADENOMAS, MULTIPLE COLORECTAL, AUTOSOMAL RECESSIVE; MUTYH-related attenuated familial adenomatous polyposis; Adenomas, multiple colorectal; FAP type 2. Identifiers: Orphanet 220460, Orphanet 247798, MedGen C3272841, MONDO:0012041, OMIM 608456.

Allele frequency attached by ClinVar (database versions not stated): gnomAD 0.00001.

Submissions (5):

Ambry Genetics
Classification: Pathogenic for Hereditary cancer-predisposing syndrome. Last evaluated: 2025-03-25. Review status: criteria provided, single submitter. Criteria: Ambry Variant Classification Scheme 2023. Collection method: clinical testing. Allele origin: germline.
Comment: The p.E118* pathogenic mutation (also known as c.352G>T), located in coding exon 4 of the MUTYH gene, results from a G to T substitution at nucleotide position 352. This changes the amino acid from a glutamic acid to a stop codon within coding exon 4. This alteration is expected to result in loss of function by premature protein truncation or nonsense-mediated mRNA decay. As such, this alteration is interpreted as a disease-causing mutation.

Labcorp Genetics (formerly Invitae), Labcorp
Classification: Pathogenic for Familial adenomatous polyposis 2. Last evaluated: 2025-01-16. Review status: criteria provided, single submitter. Criteria: Invitae Variant Classification Sherloc (09022015). Collection method: clinical testing. Allele origin: germline.
Comment: This sequence change creates a premature translational stop signal (p.Glu118*) in the MUTYH gene. It is expected to result in an absent or disrupted protein product. Loss-of-function variants in MUTYH are known to be pathogenic (PMID: 18534194, 20663686). This variant is not present in population databases (gnomAD no frequency). This variant has not been reported in the literature in individuals affected with MUTYH-related conditions. ClinVar contains an entry for this variant (Variation ID: 487453). Studies have shown that this premature translational stop signal is associated with inconclusive levels of altered splicing (internal data). For these reasons, this variant has been classified as Pathogenic.

Women's Health and Genetics/Laboratory Corporation of America, LabCorp
Classification: Likely pathogenic for Familial adenomatous polyposis 2. Last evaluated: 2022-05-23. Review status: criteria provided, single submitter. Criteria: LabCorp Variant Classification Summary - May 2015. Collection method: clinical testing. Allele origin: germline.
Comment: Variant summary: MUTYH c.352G>T (p.Glu118X) results in a premature termination codon, predicted to cause a truncation of the encoded protein or absence of the protein due to nonsense mediated decay, which are commonly known mechanisms for disease. Truncations downstream of this position have been classified as pathogenic by our laboratory. The variant was absent in 251374 control chromosomes. To our knowledge, no occurrence of c.352G>T in individuals affected with MUTYH-Associated Polyposis and no experimental evidence demonstrating its impact on protein function have been reported. Four clinical diagnostic laboratories have submitted clinical-significance assessments for this variant to ClinVar after 2014 without evidence for independent evaluation. All laboratories classified the variant as pathogenic/likely pathogenic. Based on the evidence outlined above, the variant was classified as likely pathogenic.

Color Diagnostics, LLC DBA Color Health
Classification: Pathogenic for Hereditary cancer-predisposing syndrome. Last evaluated: 2020-01-15. Review status: criteria provided, single submitter. Criteria: ACMG Guidelines, 2015. Collection method: clinical testing. Allele origin: germline.
Comment: This variant changes 1 nucleotide in exon 4 of the MUTYH gene, creating a premature translation stop signal. This variant is expected to result in an absent or non-functional protein product. This variant has not been identified in the general population by the Genome Aggregation Database (gnomAD). Loss of MUTYH function is a known mechanism of disease. Based on the available evidence, this variant is classified as Pathogenic.

Counsyl
Classification: Likely pathogenic for Familial adenomatous polyposis 2. Last evaluated: 2017-01-24. Review status: no assertion criteria provided. Collection method: clinical testing. Allele origin: unknown. Not counted in ClinVar's aggregate classification.

Literature cited by the submitters: PubMed 18534194 (cited by Labcorp Genetics (formerly Invitae), Labcorp); PubMed 20663686 (cited by Labcorp Genetics (formerly Invitae), Labcorp).

NM_001048174.2(MUTYH):c.268G>T (p.Glu90Ter)

Gene: MUTYH (mutY DNA glycosylase; minus strand). Cytogenetic location: 1p34.1.
Variant type: single nucleotide variant.
Coding change: c.268G>T on transcript NM_001048174.2 (MANE Select); coding-DNA position 268, G replaced by T.
Protein change: p.Glu90Ter; replaces glutamic acid 90 with a stop codon.
Molecular consequence: nonsense. On other transcripts: 5 prime UTR variant (4), non-coding transcript variant (2).
Genome position (GRCh38, 1-based): chr1:45,333,321, C>A on the plus strand (G>T on the coding strand, the complement: MUTYH is on the minus strand). VCF-style: chr1-45333321-C-A. GRCh37 (hg19) VCF-style: chr1-45798993-C-A.
Other names: c.268G>T, p.Glu90Ter (NM_001048171.2, NM_001048173.2, NM_001293195.2); c.271G>T, p.Glu91Ter (NM_001048172.2); c.352G>T, p.Glu118Ter (NM_001128425.2); c.313G>T, p.Glu105Ter (NM_001293190.2); c.301G>T, p.Glu101Ter (NM_001293191.2); c.-9G>T (NM_001293192.2, NM_001293196.2); c.-4G>T (NM_001350650.2, NM_001350651.2); c.343G>T, p.Glu115Ter (NM_012222.3); short protein forms E104*, E118*, E101*, E91*, E105*, E115*, E90*.
Identifiers: ClinVar variation 487453 (VCV000487453.20), dbSNP rs1553129892, ClinGen allele CA340136310.